The following is an entry in ClinVar:

ClinVar aggregate classification (germline): Uncertain significance (1 of 4 stars; one submission).

Submission:

Labcorp Genetics (formerly Invitae), Labcorp
Classification: Uncertain significance. Last evaluated: 2024-10-03. Review status: criteria provided, single submitter. Criteria: Invitae Variant Classification Sherloc (09022015). Collection method: clinical testing. Allele origin: germline.
Comment: This variant, c.2553_2558del, results in the deletion of 2 amino acid(s) of the CACNA1D protein (p.Glu853_Glu854del), but otherwise preserves the integrity of the reading frame. The frequency data for this variant in the population databases is considered unreliable, as metrics indicate poor data quality at this position in the gnomAD database. This variant has been observed in individual(s) with CACNA1D-related conditions (PMID: 33057194, 35982159). Experimental studies and prediction algorithms are not available or were not evaluated, and the functional significance of this variant is currently unknown. In summary, the available evidence is currently insufficient to determine the role of this variant in disease. Therefore, it has been classified as a Variant of Uncertain Significance.

Literature cited by the submitters: PubMed 33057194; PubMed 35982159.

NM_001128840.3(CACNA1D):c.2481AGAGGA[2] (p.Glu833_Glu834del)

Gene: CACNA1D (calcium voltage-gated channel subunit alpha1 D; plus strand). Cytogenetic location: 3p21.1.
Variant type: Microsatellite.
Coding change: c.2481AGAGGA[2] on transcript NM_001128840.3 (MANE Select); two copies in a row of the 6-base unit AGAGGA starting at c.2481; the reference has three copies in a row; one copy, 6 bases deleted.
Protein change: p.Glu833_Glu834del.
Molecular consequence: inframe deletion.
Genome position (GRCh38, 1-based): chr3:53,732,834-53,732,839, AGAGGA deleted; deleting any 6 consecutive bases within chr3:53,732,819-53,732,839 gives the same sequence; the position shown is the placement nearest the transcript's 3' end. VCF-style (leftmost placement, unchanged base first): chr3-53732818-GGGAAGA-G. GRCh37 (hg19) VCF-style: chr3-53766845-GGGAAGA-G.
Other names: c.2541AGAGGA[2], p.Glu853_Glu854del (NM_000720.4); c.2481AGAGGA[2], p.Glu833_Glu834del (NM_001128839.3).
Identifiers: ClinVar variation 1927966 (VCV001927966.5), dbSNP rs28969543, ClinGen allele CA74853946.